The following is an entry in ClinVar:

NM_172245.4(CSF2RA):c.679C>T (p.Arg227Cys)

Gene: CSF2RA (colony stimulating factor 2 receptor subunit alpha; plus strand). Cytogenetic location: Xp22.33.
Variant type: single nucleotide variant.
Coding change: c.679C>T on transcript NM_172245.4 (MANE Select); coding-DNA position 679, C replaced by T.
Protein change: p.Arg227Cys; replaces arginine 227 with cysteine.
Molecular consequence: missense variant. On other transcripts: synonymous variant (1), non-coding transcript variant (1), intron variant (1).
Genome position (GRCh38, 1-based): chrX:1,294,360, C>T. VCF-style: chrX-1294360-C-T. GRCh37 (hg19) VCF-style: chrX-1413253-C-T.
Other names: c.679C>T, p.Arg227Cys (NM_001161529.2, NM_001161530.2, NM_001161531.2 and 18 more transcripts); c.280C>T, p.Arg94Cys (NM_001161532.2); c.660C>T, p.Tyr220= (NM_001379166.1); c.646+3851C>T (NM_172249.4); short protein forms R227C, R94C.
Identifiers: ClinVar variation 1392352 (VCV001392352.4), dbSNP rs772324282, ClinGen allele CA10330948.
Genomic context (GRCh38, chrX:1,294,360, plus strand): 5'-AGGGGTGTGTCCTGCGCCCTCGTTACAGAACGATTCAACCCTCCCAGCAATGTCACCGTA[C>T]GTTGCAACACGACGCACTGCCTCGTACGGTGGAAACAGCCCAGGACCTATCAGAAGCTGT-3'
Protein context (NP_758448.1, residues 217-237): RFNPPSNVTV[Arg227Cys]CNTTHCLVRW

ClinVar aggregate classification (germline): Uncertain significance (1 of 4 stars; one submission).

Conditions:
Surfactant metabolism dysfunction, pulmonary, 4 (SMDP4). Also called: CSF2RA DEFICIENCY; PAP DUE TO CSF2RA DEFICIENCY; PULMONARY ALVEOLAR PROTEINOSIS, CONGENITAL, 4. Identifiers: Orphanet 264675, MedGen C2677877, MONDO:0010424, OMIM 300770.

Submission:

Labcorp Genetics (formerly Invitae), Labcorp
Classification: Uncertain significance for Surfactant metabolism dysfunction, pulmonary, 4. Last evaluated: 2024-12-16. Review status: criteria provided, single submitter. Criteria: Invitae Variant Classification Sherloc (09022015). Collection method: clinical testing. Allele origin: germline.
Comment: This sequence change replaces arginine, which is basic and polar, with cysteine, which is neutral and slightly polar, at codon 227 of the CSF2RA protein (p.Arg227Cys). This variant is present in population databases (no rsID available, gnomAD 0.006%). This variant has not been reported in the literature in individuals affected with CSF2RA-related conditions. ClinVar contains an entry for this variant (Variation ID: 1392352). Invitae Evidence Modeling of protein sequence and biophysical properties (such as structural, functional, and spatial information, amino acid conservation, physicochemical variation, residue mobility, and thermodynamic stability) indicates that this missense variant is not expected to disrupt CSF2RA protein function with a negative predictive value of 80%. In summary, the available evidence is currently insufficient to determine the role of this variant in disease. Therefore, it has been classified as a Variant of Uncertain Significance.